The following is an entry in ClinVar:

ClinVar aggregate classification (germline): Uncertain significance (1 of 4 stars; one submission).

Conditions:
Developmental and epileptic encephalopathy, 12 (DEE12). Identifiers: MedGen C3150988, MONDO:0013389, OMIM 613722.

Allele frequency attached by ClinVar (database versions not stated): gnomAD exomes below 0.00001.
gnomAD v4.1: 1 of 1,613,900 alleles (0.000062%); highest among the groups gnomAD compares: South Asian, 0.0011%; no homozygotes.

Submission:

Labcorp Genetics (formerly Invitae), Labcorp
Classification: Uncertain significance for Developmental and epileptic encephalopathy, 12. Last evaluated: 2020-02-18. Review status: criteria provided, single submitter. Criteria: Invitae Variant Classification Sherloc (09022015). Collection method: clinical testing. Allele origin: germline.
Comment: This sequence change replaces arginine with lysine at codon 657 of the PLCB1 protein (p.Arg657Lys). The arginine residue is highly conserved and there is a small physicochemical difference between arginine and lysine. This variant is not present in population databases (ExAC no frequency). This variant has not been reported in the literature in individuals with PLCB1-related conditions. Algorithms developed to predict the effect of missense changes on protein structure and function (SIFT, PolyPhen-2, Align-GVGD) all suggest that this variant is likely to be tolerated, but these predictions have not been confirmed by published functional studies and their clinical significance is uncertain. In summary, the available evidence is currently insufficient to determine the role of this variant in disease. Therefore, it has been classified as a Variant of Uncertain Significance.

NM_015192.4(PLCB1):c.1970G>A (p.Arg657Lys)

Gene: PLCB1 (phospholipase C beta 1; plus strand). Cytogenetic location: 20p12.3.
Variant type: single nucleotide variant.
Coding change: c.1970G>A on transcript NM_015192.4 (MANE Select); coding-DNA position 1970, G replaced by A.
Protein change: p.Arg657Lys; replaces arginine 657 with lysine.
Molecular consequence: missense variant.
Genome position (GRCh38, 1-based): chr20:8,733,319, G>A. VCF-style: chr20-8733319-G-A. GRCh37 (hg19) VCF-style: chr20-8713966-G-A.
Other names: c.1970G>A, p.Arg657Lys (NM_182734.3); short protein forms R657K.
Identifiers: ClinVar variation 1057591 (VCV001057591.11), dbSNP rs1980372070, ClinGen allele CA408205648.
Genomic context (GRCh38, chr20:8,733,319, plus strand): 5'-TGGGGATGTATGAATACAACGGGAAGAGTGGCTACAGATTGAAGCCAGAGTTCATGAGGA[G>A]GCCTGACAAGCATTTTGATCCATTTACTGAAGGCATCGTAGATGGGATAGTGGCAAACAC-3'
Protein context (NP_056007.1, residues 647-667): GYRLKPEFMR[Arg657Lys]PDKHFDPFTE